The following is an entry in ClinVar:

NM_153747.2(PIGC):c.484A>T (p.Ile162Phe)

Genes: C1orf105 (chromosome 1 open reading frame 105; plus strand), PIGC (phosphatidylinositol glycan anchor biosynthesis class C; minus strand). Cytogenetic location: 1q24.3.
Variant type: single nucleotide variant.
Coding change: c.484A>T on transcript NM_153747.2 (MANE Select); coding-DNA position 484, A replaced by T.
Protein change: p.Ile162Phe; replaces isoleucine 162 with phenylalanine.
Molecular consequence: missense variant. On other transcripts: intron variant (1).
Genome position (GRCh38, 1-based): chr1:172,442,139, T>A on the plus strand (A>T on the coding strand, the complement: PIGC is on the minus strand). VCF-style: chr1-172442139-T-A. GRCh37 (hg19) VCF-style: chr1-172411279-T-A.
Other names: c.484A>T, p.Ile162Phe (NM_002642.4); c.22-2934T>A (NM_139240.4); short protein forms I162F.
Identifiers: ClinVar variation 3254687 (VCV003254687.2), dbSNP rs1413366993.

ClinVar aggregate classification (germline): Uncertain significance (1 of 4 stars; one submission).

Conditions:
Glycosylphosphatidylinositol biosynthesis defect 16. Also called: MENTAL RETARDATION, AUTOSOMAL RECESSIVE 62. Identifiers: MedGen C4540521, MONDO:0040500, OMIM 617816.

Allele frequency attached by ClinVar (database versions not stated): gnomAD exomes below 0.00001.
gnomAD v4.1: 3 of 1,614,156 alleles (0.00019%); highest among the groups gnomAD compares: Middle Eastern, 0.033%; no homozygotes.

Submission:

Victorian Clinical Genetics Services, Murdoch Childrens Research Institute
Classification: Uncertain significance for Glycosylphosphatidylinositol biosynthesis defect 16. Last evaluated: 2024-09-20. Review status: criteria provided, single submitter. Criteria: ACMG Guidelines, 2015. Collection method: clinical testing. Allele origin: germline. Inheritance: Autosomal recessive inheritance. Affected: yes.
Comment: Based on the classification scheme VCGS_Germline_v1.3.4, this variant is classified as VUS-3B. Following criteria are met: 0102 - Loss of function is a known mechanism of disease in this gene and is associated with glycosylphosphatidylinositol biosynthesis defect 16 (MIM#617816). (I) 0106 - This gene is associated with autosomal recessive disease. (I) 0200 - Variant is predicted to result in a missense amino acid change from isoleucine to phenylalanine. (I) 0251 - This variant is heterozygous. (I) 0304 - Variant is present in gnomAD <0.01 for a recessive condition (v2: 1 heterozygote, 0 homozygotes). (SP) 0309 - An alternative amino acid change at the same position has been observed in gnomAD (v2) (1 heterozygote, 0 homozygotes). (I) 0503 - Missense variant consistently predicted to be tolerated by multiple in silico tools or not conserved in placental mammals with a minor amino acid change. (SB) 0600 - Variant is located in the annotated GPI2 domain (DECIPHER). (I) 0705 - No comparable missense variants have previous evidence for pathogenicity. (I) 0807 - This variant has no previous evidence of pathogenicity. (I) 0905 - No published segregation evidence has been identified for this variant. (I) 1007 - No published functional evidence has been identified for this variant. (I) Legend: (SP) - Supporting pathogenic, (I) - Information, (SB) - Supporting benign